The following is an entry in ClinVar:

ClinVar aggregate classification (germline): Uncertain significance (1 of 4 stars; one submission).

gnomAD v4.1: 25 of 1,596,412 alleles (0.0016%); highest among the groups gnomAD compares: Non-Finnish European, 0.0021%; no homozygotes.

Submission:

GeneDx
Classification: Uncertain significance. Last evaluated: 2026-04-01. Review status: criteria provided, single submitter. Criteria: GeneDx Variant Classification Process June 2021. Collection method: clinical testing. Allele origin: germline.
Comment: In silico analysis suggests that this missense variant does not alter protein structure/function; Has not been previously published as pathogenic or benign to our knowledge

NM_004046.6(ATP5F1A):c.790A>G (p.Thr264Ala)

Gene: ATP5F1A (ATP synthase F1 subunit alpha; minus strand). Cytogenetic location: 18q21.1.
Variant type: single nucleotide variant.
Coding change: c.790A>G on transcript NM_004046.6 (MANE Select); coding-DNA position 790, A replaced by G.
Protein change: p.Thr264Ala; replaces threonine 264 with alanine.
Molecular consequence: missense variant.
Genome position (GRCh38, 1-based): chr18:46,088,118, T>C on the plus strand (A>G on the coding strand, the complement: ATP5F1A is on the minus strand). VCF-style: chr18-46088118-T-C. GRCh37 (hg19) VCF-style: chr18-43668084-T-C.
Other names: c.640A>G, p.Thr214Ala (NM_001001935.3, NM_001257335.2); c.790A>G, p.Thr264Ala (NM_001001937.2); c.724A>G, p.Thr242Ala (NM_001257334.2); short protein forms T214A, T242A, T264A.
Identifiers: ClinVar variation 5017824 (VCV005017824.1).